The following is an entry in ClinVar:

ClinVar aggregate classification (germline): Uncertain significance (1 of 4 stars; one submission).

Conditions:
SPTBN4-related neurodevelopmental disorder.

Submission:

Illumina Laboratory Services, Illumina
Classification: Uncertain significance for SPTBN4-related neurodevelopmental disorder. Last evaluated: 2020-01-14. Review status: criteria provided, single submitter. Criteria: ICSLVariantClassificationCriteria RUGD 01 April 2020. Collection method: clinical testing. Allele origin: unknown.
Comment: The SPTBN4 c.3443G>C (p.Arg1148Pro) variant is a missense variant. A literature search was performed for the gene, cDNA change, and amino acid change. No publications were found based on this search. This variant is not found in the Genome Aggregation Database in a region of adequate sequencing coverage so the variant is presumed to be rare. Based on the limited evidence, the p.Arg1148Pro variant is classified as a variant of unknown significance for SPTBN4-related neurodevelopmental disorder.

NM_020971.3(SPTBN4):c.3443G>C (p.Arg1148Pro)

Gene: SPTBN4 (spectrin beta, non-erythrocytic 4; plus strand). Cytogenetic location: 19q13.2.
Variant type: single nucleotide variant.
Coding change: c.3443G>C on transcript NM_020971.3 (MANE Select); coding-DNA position 3443, G replaced by C.
Protein change: p.Arg1148Pro; replaces arginine 1148 with proline.
Molecular consequence: missense variant.
Genome position (GRCh38, 1-based): chr19:40,519,940, G>C. VCF-style: chr19-40519940-G-C. GRCh37 (hg19) VCF-style: chr19-41025847-G-C.
Other names: short protein forms R1148P.
Identifiers: ClinVar variation 873518 (VCV000873518.4), dbSNP rs777819831, ClinGen allele CA405916586.